The following is an entry in ClinVar:

ClinVar aggregate classification (germline): Likely benign (0 of 4 stars; one submission).

Conditions:
NECTIN1-related disorder. Also called: NECTIN1-related condition.

Allele frequency attached by ClinVar (database versions not stated): gnomAD exomes below 0.00001; TOPMed 0.00001.
gnomAD v4.1: 5 of 1,602,576 alleles (0.00031%); highest among the groups gnomAD compares: Middle Eastern, 0.017%; no homozygotes.

Submission:

PreventionGenetics, part of Exact Sciences
Classification: Likely benign for NECTIN1-related condition. Last evaluated: 2022-07-26. Review status: no assertion criteria provided. Collection method: clinical testing. Allele origin: germline.
Comment: This variant is classified as likely benign based on ACMG/AMP sequence variant interpretation guidelines (Richards et al. 2015 PMID: 25741868, with internal and published modifications).

NM_002855.5(NECTIN1):c.63C>T (p.Thr21=)

Gene: NECTIN1 (nectin cell adhesion molecule 1; minus strand). Cytogenetic location: 11q23.3.
Variant type: single nucleotide variant.
Coding change: c.63C>T on transcript NM_002855.5 (MANE Select); coding-DNA position 63, C replaced by T.
Protein change: p.Thr21=; no amino-acid change (threonine 21 retained).
Molecular consequence: synonymous variant.
Genome position (GRCh38, 1-based): chr11:119,728,491, G>A on the plus strand (C>T on the coding strand, the complement: NECTIN1 is on the minus strand). VCF-style: chr11-119728491-G-A. GRCh37 (hg19) VCF-style: chr11-119599201-G-A.
Other names: c.63C>T, p.Thr21= (NM_203285.2, NM_203286.2).
Identifiers: ClinVar variation 3049385 (VCV003049385.2), dbSNP rs1301703378, ClinGen allele CA477283342.